The following is an entry in ClinVar:

NM_000191.3(HMGCL):c.751-1G>T

Gene: HMGCL (3-hydroxy-3-methylglutaryl-CoA lyase; minus strand). Cytogenetic location: 1p36.11.
Variant type: single nucleotide variant.
Coding change: c.751-1G>T on transcript NM_000191.3 (MANE Select); the canonical splice acceptor site of the intron before coding-DNA position 751, G replaced by T.
Molecular consequence: splice acceptor variant.
Genome position (GRCh38, 1-based): chr1:23,804,526, C>A on the plus strand (G>T on the coding strand, the complement: HMGCL is on the minus strand). VCF-style: chr1-23804526-C-A. GRCh37 (hg19) VCF-style: chr1-24131016-C-A.
Other names: c.538-1G>T (NM_001166059.2).
Identifiers: ClinVar variation 4817884 (VCV004817884.1).

ClinVar aggregate classification (germline): Likely pathogenic (1 of 4 stars; one submission).

Conditions:
Long chain 3-hydroxyacyl-CoA dehydrogenase deficiency. Also called: Deficiency of long-chain 3-hydroxyacyl-coenzyme A dehydrogenase; LCHAD Deficiency. Identifiers: Orphanet 5, MedGen C3711645, MONDO:0012173, OMIM 609016.

Submission:

Natera, Inc.
Classification: Likely pathogenic for Deficiency of long-chain 3-hydroxyacyl-coenzyme A dehydrogenase. Last evaluated: 2025-10-10. Review status: criteria provided, single submitter. Criteria: Natera Variant Classification Schema (03/2026). Collection method: clinical testing. Allele origin: germline.
Comment: The c.751-1G>T variant in HMGCL is a canonical splice acceptor site variant predicted to affect pre-mRNA splicing, which may result in an abnormal transcript and altered protein product. This variant is expected to result in nonsense mediated decay, truncation, or a dysfunctional protein product. This variant is rare in the general population with a frequency below the threshold expected for the associated phenotype(s). Given the available evidence, this variant is classified as Likely Pathogenic.